The following is an entry in ClinVar:

ClinVar aggregate classification (germline): Uncertain significance (1 of 4 stars; one submission).

Conditions:
Hyperaldosteronism, familial, type IV (HALD4). Also called: FH IV; ALDOSTERONISM, PRIMARY, AND HYPERTENSION. Identifiers: Orphanet 642671, MedGen C4310756, MONDO:0014875, OMIM 617027.
Idiopathic generalized epilepsy. Also called: Generalised epilepsy; EIG. Identifiers: MedGen C0270850, MONDO:0005579, OMIM 600669.

Allele frequency attached by ClinVar (database versions not stated): gnomAD 0.00001; TOPMed 0.00001.
gnomAD v4.1: 1 of 1,612,344 alleles (0.000062%); highest among the groups gnomAD compares: African/African-American, 0.0013%; no homozygotes.

Submission:

Labcorp Genetics (formerly Invitae), Labcorp
Classification: Uncertain significance for Idiopathic generalized epilepsy; Hyperaldosteronism, familial, type IV. Last evaluated: 2021-04-23. Review status: criteria provided, single submitter. Criteria: Invitae Variant Classification Sherloc (09022015). Collection method: clinical testing. Allele origin: germline.
Comment: In summary, the available evidence is currently insufficient to determine the role of this variant in disease. Therefore, it has been classified as a Variant of Uncertain Significance. Advanced modeling of protein sequence and biophysical properties (such as structural, functional, and spatial information, amino acid conservation, physicochemical variation, residue mobility, and thermodynamic stability) performed at Invitae indicates that this missense variant is expected to disrupt CACNA1H protein function. This variant has not been reported in the literature in individuals with CACNA1H-related conditions. This variant is not present in population databases (ExAC no frequency). This sequence change replaces cysteine with phenylalanine at codon 1459 of the CACNA1H protein (p.Cys1459Phe). The cysteine residue is highly conserved and there is a large physicochemical difference between cysteine and phenylalanine.

NM_021098.3(CACNA1H):c.4376G>T (p.Cys1459Phe)

Gene: CACNA1H (calcium voltage-gated channel subunit alpha1 H; plus strand). Cytogenetic location: 16p13.3.
Variant type: single nucleotide variant.
Coding change: c.4376G>T on transcript NM_021098.3 (MANE Select); coding-DNA position 4376, G replaced by T.
Protein change: p.Cys1459Phe; replaces cysteine 1459 with phenylalanine.
Molecular consequence: missense variant.
Genome position (GRCh38, 1-based): chr16:1,211,506, G>T. VCF-style: chr16-1211506-G-T. GRCh37 (hg19) VCF-style: chr16-1261506-G-T.
Other names: c.4376G>T, p.Cys1459Phe (NM_001005407.2); short protein forms C1459F.
Identifiers: ClinVar variation 1389673 (VCV001389673.8), dbSNP rs1403664698, ClinGen allele CA394178889.
Genomic context (GRCh38, chr16:1,211,506, plus strand): 5'-CCAGGCCCTCCGCGGTGACCGTCGCACCCCGTCAGCTCTTCAAAGGGAAGTTCTACTACT[G>T]CGAGGGCCCCGACACCAGGAACATCTCCACCAAGGCACAGTGCCGGGCCGCCCACTACCG-3'
Protein context (NP_066921.2, residues 1449-1469): VQLFKGKFYY[Cys1459Phe]EGPDTRNIST